The following is an entry in ClinVar:

NM_006642.5(SDCCAG8):c.675+280G>C

Gene: SDCCAG8 (SHH signaling and ciliogenesis regulator SDCCAG8; plus strand). Cytogenetic location: 1q43.
Variant type: single nucleotide variant.
Coding change: c.675+280G>C on transcript NM_006642.5 (MANE Select); 280 bases into the intron after coding-DNA position 675, G replaced by C.
Molecular consequence: intron variant.
Genome position (GRCh38, 1-based): chr1:243,293,499, G>C. VCF-style: chr1-243293499-G-C. GRCh37 (hg19) VCF-style: chr1-243456801-G-C.
Other names: c.381+280G>C (NM_001350249.2); c.-603+5G>C (NM_001350251.2); c.771+5G>C (NM_001350248.2); c.-438+280G>C (NM_001350246.2); c.-326+280G>C (NM_001350247.2).
Identifiers: ClinVar variation 4998136 (VCV004998136.1).
Genomic context (GRCh38, chr1:243,293,499, plus strand): 5'-AACAATATCTCCATTCCCCTCCCTGCCAACCCCTGATGACCTCTCTTCAACTTTCGGTCT[G>C]TATAAATTTGCCTATTTCAGATACTTGACATAAGTGGAATTAAACAATACTTGTCCTTTT-3'

ClinVar aggregate classification (germline): Likely benign (1 of 4 stars; one submission).

Conditions:
SDCCAG8-related disorder. Also called: SDCCAG8-Related Disorders; SDCCAG8-related condition.

gnomAD v4.1: 2 of 560,742 alleles (0.00036%); highest among the groups gnomAD compares: East Asian, 0.0042%; no homozygotes.

Submission:

PreventionGenetics, part of Exact Sciences
Classification: Likely benign for SDCCAG8-related condition. Last evaluated: 2025-04-09. Review status: criteria provided, single submitter. Criteria: ACMG Guidelines, 2015. Collection method: clinical testing. Allele origin: germline.
Comment: This variant is classified as likely benign based on ACMG/AMP sequence variant interpretation guidelines (Richards et al. 2015 PMID: 25741868, with internal and published modifications).